The following is an entry in ClinVar:

NM_031471.6(FERMT3):c.1917_1918delinsAG (p.Arg640Gly)

Gene: FERMT3 (FERM domain containing kindlin 3; plus strand). Cytogenetic location: 11q13.1.
Variant type: Indel.
Coding change: c.1917_1918delinsAG on transcript NM_031471.6 (MANE Select); coding-DNA positions 1917 to 1918, GC replaced by AG.
Protein change: p.Arg640Gly; replaces arginine 640 with glycine.
Molecular consequence: missense variant.
Genome position (GRCh38, 1-based): chr11:64,223,417-64,223,418, GC replaced by AG. VCF-style: chr11-64223417-GC-AG. GRCh37 (hg19) VCF-style: chr11-63990889-GC-AG.
Other names: c.1917_1918delinsAG, p.Arg640Gly (NM_001382361.1, NM_001382448.1); c.1929_1930delinsAG, p.Arg644Gly (NM_001382362.1, NM_178443.3); c.1377_1378delinsAG, p.Arg460Gly (NM_001382363.1); c.1389_1390delinsAG, p.Arg464Gly (NM_001382364.1); short protein forms R464G, R640G, R460G, R644G.
Identifiers: ClinVar variation 1975964 (VCV001975964.5), dbSNP rs2496054607, ClinGen allele CA2580084399.

ClinVar aggregate classification (germline): Uncertain significance (1 of 4 stars; one submission).

Conditions:
Leukocyte adhesion deficiency 3. Also called: INTEGRIN ACTIVATION DEFICIENCY DISEASE; LEUKOCYTE ADHESION DEFICIENCY 1 VARIANT; Leukocyte adhesion deficiency, type III. Identifiers: Orphanet 2968, Orphanet 99844, MedGen C2748536, MONDO:0013016, OMIM 612840.

Submission:

Labcorp Genetics (formerly Invitae), Labcorp
Classification: Uncertain significance for Leukocyte adhesion deficiency 3. Last evaluated: 2022-09-27. Review status: criteria provided, single submitter. Criteria: Invitae Variant Classification Sherloc (09022015). Collection method: clinical testing. Allele origin: germline.
Comment: Information on the frequency of this variant in the gnomAD database is not available, as this variant may be reported differently in the database. In summary, the available evidence is currently insufficient to determine the role of this variant in disease. Therefore, it has been classified as a Variant of Uncertain Significance. Experimental studies and prediction algorithms are not available or were not evaluated, and the functional significance of this variant is currently unknown. This variant has not been reported in the literature in individuals affected with FERMT3-related conditions. This sequence change replaces arginine, which is basic and polar, with glycine, which is neutral and non-polar, at codon 640 of the FERMT3 protein (p.Arg640Gly).